The following is an entry in ClinVar:

NM_032816.5(CEP89):c.1029+3A>G

Gene: CEP89 (centrosomal protein 89; minus strand). Cytogenetic location: 19q13.11.
Variant type: single nucleotide variant.
Coding change: c.1029+3A>G on transcript NM_032816.5 (MANE Select); 3 bases into the intron after coding-DNA position 1029, A replaced by G.
Molecular consequence: intron variant.
Genome position (GRCh38, 1-based): chr19:32,931,426, T>C on the plus strand (A>G on the coding strand, the complement: CEP89 is on the minus strand). VCF-style: chr19-32931426-T-C. GRCh37 (hg19) VCF-style: chr19-33422332-T-C.
Identifiers: ClinVar variation 2176437 (VCV002176437.4), dbSNP rs764386642, ClinGen allele CA9359457.

ClinVar aggregate classification (germline): Uncertain significance (1 of 4 stars; one submission).

Allele frequency attached by ClinVar (database versions not stated): gnomAD 0.00001; gnomAD exomes 0.00002; TOPMed 0.00002; ExAC 0.00003.
gnomAD v4.1: 11 of 1,565,174 alleles (0.0007%); highest among the groups gnomAD compares: Admixed American, 0.024%; no homozygotes.

Submission:

Labcorp Genetics (formerly Invitae), Labcorp
Classification: Uncertain significance. Last evaluated: 2024-03-30. Review status: criteria provided, single submitter. Criteria: Invitae Variant Classification Sherloc (09022015). Collection method: clinical testing. Allele origin: germline.
Comment: This sequence change falls in intron 9 of the CEP89 gene. It does not directly change the encoded amino acid sequence of the CEP89 protein. It affects a nucleotide within the consensus splice site. This variant is present in population databases (rs764386642, gnomAD 0.02%). This variant has not been reported in the literature in individuals affected with CEP89-related conditions. ClinVar contains an entry for this variant (Variation ID: 2176437). Variants that disrupt the consensus splice site are a relatively common cause of aberrant splicing (PMID: 17576681, 9536098). Algorithms developed to predict the effect of sequence changes on RNA splicing suggest that this variant may disrupt the consensus splice site. In summary, the available evidence is currently insufficient to determine the role of this variant in disease. Therefore, it has been classified as a Variant of Uncertain Significance.

Literature cited by the submitters: PubMed 17576681; PubMed 9536098.